The following is an entry in ClinVar:

NM_001037333.3(CYFIP2):c.3698C>A (p.Ser1233Tyr)

Genes: CYFIP2 (cytoplasmic FMR1 interacting protein 2; plus strand), NIPAL4-DT (NIPAL4 divergent transcript; minus strand). Cytogenetic location: 5q33.3.
Variant type: single nucleotide variant.
Coding change: c.3698C>A on transcript NM_001037333.3 (MANE Select); coding-DNA position 3698, C replaced by A.
Protein change: p.Ser1233Tyr; replaces serine 1233 with tyrosine.
Molecular consequence: missense variant.
Genome position (GRCh38, 1-based): chr5:157,392,936, C>A. VCF-style: chr5-157392936-C-A. GRCh37 (hg19) VCF-style: chr5-156819944-C-A.
Other names: c.3620C>A, p.Ser1207Tyr (NM_001291721.2); c.3773C>A, p.Ser1258Tyr (NM_001291722.2); c.3698C>A, p.Ser1233Tyr (NM_014376.4); short protein forms S1258Y, S1207Y, S1233Y.
Identifiers: ClinVar variation 3725350 (VCV003725350.2).

ClinVar aggregate classification (germline): Uncertain significance (1 of 4 stars; one submission).

Submission:

Labcorp Genetics (formerly Invitae), Labcorp
Classification: Uncertain significance. Last evaluated: 2024-11-16. Review status: criteria provided, single submitter. Criteria: Invitae Variant Classification Sherloc (09022015). Collection method: clinical testing. Allele origin: germline.
Comment: This sequence change replaces serine, which is neutral and polar, with tyrosine, which is neutral and polar, at codon 1233 of the CYFIP2 protein (p.Ser1233Tyr). This variant is not present in population databases (gnomAD no frequency). This variant has not been reported in the literature in individuals affected with CYFIP2-related conditions. Experimental studies and prediction algorithms are not available or were not evaluated, and the functional significance of this variant is currently unknown. In summary, the available evidence is currently insufficient to determine the role of this variant in disease. Therefore, it has been classified as a Variant of Uncertain Significance.